The following is an entry in ClinVar:

NM_001009944.3(PKD1):c.6380_6397dup (p.Phe2132_Phe2133insSerAsnLeuValSerPhe)

Gene: PKD1 (polycystin 1, transient receptor potential channel interacting; minus strand). Cytogenetic location: 16p13.3.
Variant type: Duplication.
Coding change: c.6380_6397dup on transcript NM_001009944.3 (MANE Select); coding-DNA positions 6380 to 6397, 18 bases duplicated (CCAACCTGGTGAGCTTCT).
Protein change: p.Phe2132_Phe2133insSerAsnLeuValSerPhe.
Genome position (GRCh38, 1-based): chr16:2,108,770-2,108,787, AGAAGCTCACCAGGTTGG duplicated on the plus strand (CCAACCTGGTGAGCTTCT on the coding strand, the reverse complement: PKD1 is on the minus strand); duplicating any 18 consecutive bases within chr16:2,108,770-2,108,789 gives the same sequence; the c. name uses the placement nearest the transcript's 3' end. VCF-style (leftmost placement, unchanged base first): chr16-2108769-A-AAGAAGCTCACCAGGTTGG. GRCh37 (hg19) VCF-style: chr16-2158770-A-AAGAAGCTCACCAGGTTGG.
Other names: c.6380_6397dup, p.Phe2132_Phe2133insSerAsnLeuValSerPhe (NM_000296.4).
Identifiers: ClinVar variation 3066221 (VCV003066221.1), dbSNP rs2544803389, ClinGen allele CA2740098075.

ClinVar aggregate classification (germline): Uncertain significance (1 of 4 stars; one submission).

Conditions:
Polycystic kidney disease, adult type (PKD1). Also called: Polycystic Kidney, Autosomal Dominant; POLYCYSTIC KIDNEY DISEASE 1 WITH OR WITHOUT POLYCYSTIC LIVER DISEASE; Polycystic Kidney Disease 1, Autosomal Dominant; Polycystic kidney disease 1; Polycystic kidney disease 1, severe; POLYCYSTIC KIDNEY DISEASE, ADULT, TYPE I. Identifiers: MedGen C3149841, MONDO:0008263, OMIM 173900.

Submission:

MVZ Medizinische Genetik Mainz
Classification: Uncertain significance for Polycystic kidney disease, adult type. Last evaluated: 2022-11-17. Review status: criteria provided, single submitter. Criteria: UK Practice Guidelines For Variant Classification V4 01 2020. Collection method: clinical testing. Allele origin: germline. Inheritance: Autosomal dominant inheritance. Affected: yes. Observed: 1 variant allele.
Comment: ACMG Criteria: PM4, PM2_SUP, PP4 (ACMG Version 4)